The following is an entry in ClinVar:

NM_000051.4(ATM):c.1899-20A>C

Gene: ATM (ATM serine/threonine kinase; plus strand). Cytogenetic location: 11q22.3.
Variant type: single nucleotide variant.
Coding change: c.1899-20A>C on transcript NM_000051.4 (MANE Select); 20 bases into the intron before coding-DNA position 1899, A replaced by C.
Molecular consequence: intron variant.
Genome position (GRCh38, 1-based): chr11:108,253,794, A>C. VCF-style: chr11-108253794-A-C. GRCh37 (hg19) VCF-style: chr11-108124521-A-C.
Other names: c.1899-20A>C (NM_001351834.2).
Identifiers: ClinVar variation 1782212 (VCV001782212.2), dbSNP rs774707302, ClinGen allele CA2580083811.

ClinVar aggregate classification (germline): Likely pathogenic (1 of 4 stars; one submission).

Conditions:
Hereditary cancer-predisposing syndrome. Also called: Neoplastic Syndromes, Hereditary; Tumor predisposition; Hereditary Cancer Syndrome; Hereditary neoplastic syndrome. Identifiers: Orphanet 140162, MedGen C0027672, MeSH D009386, MONDO:0015356.

Submission:

Ambry Genetics
Classification: Likely pathogenic for Hereditary cancer-predisposing syndrome. Last evaluated: 2022-03-28. Review status: criteria provided, single submitter. Criteria: Ambry Variant Classification Scheme 2023. Collection method: clinical testing. Allele origin: germline.
Comment: The c.1899-20A>C intronic variant results from an A to C substitution 20 nucleotides upstream from coding exon 12 in the ATM gene. This nucleotide position is well conserved in available vertebrate species. In silico splice site analysis predicts that this alteration will weaken the native splice acceptor site and may result in the creation or strengthening of a novel splice acceptor site. RNA studies have demonstrated that this alteration results in abnormal splicing in the set of samples tested (Ambry internal data). Based on the majority of available evidence to date, this variant is likely to be pathogenic.